The following is an entry in ClinVar:

ClinVar aggregate classification (germline): Conflicting classifications of pathogenicity. Review status: criteria provided, conflicting classifications (1 of 4 stars). 9 submissions from 9 submitters: Uncertain significance (6); Likely benign (2). 1 of the submissions does not count toward it. Last evaluated 2026-03-28.

Conditions:
Zellweger spectrum disorders (ZS). Also called: Zellweger Spectrum Disorder (ZSD); Zellweger Spectrum Disorder; Zellweger Spectrum; Zellweger syndrome. Identifiers: Orphanet 912, MedGen C0043459, MONDO:0019609.
PEX1-related disorder. Also called: PEX1-related condition.
Peroxisome biogenesis disorder 1A (Zellweger) (PBD1A). Also called: Peroxisome biogenesis disorder 1a; Zellweger leukodystrophy. Identifiers: MedGen C4721541, MONDO:0008953, OMIM 214100.
Peroxisome biogenesis disorder 1B (PBD1B). Also called: Refsum disease, infantile form; Infantile Refsum disease; Infantile form of phytanic acid storage disease; PEROXISOME BIOGENESIS DISORDER (NEONATAL ADRENOLEUKODYSTROPHY/INFANTILE REFSUM DISEASE); INFANTILE PHYTANIC ACID STORAGE DISEASE; PEROXISOME BIOGENESIS DISORDER (NALD/IRD). Identifiers: Orphanet 44, MedGen C0282527, MONDO:0011101, OMIM 601539.
Heimler syndrome 1 (HMLR1). Also called: PEROXISOME BIOGENESIS DISORDER 1C. Identifiers: Orphanet 3220, MedGen C4551980, OMIM 234580, MONDO:0024544.

Allele frequency attached by ClinVar (database versions not stated): 1000 Genomes Project 30x 0.00031; ESP Exome Variant Server 0.00031; gnomAD exomes 0.00031; gnomAD 0.00032; ExAC 0.00034; TOPMed 0.00038; 1000 Genomes Project 0.00040.
gnomAD v4.1: 649 of 1,614,052 alleles (0.04%); highest among the groups gnomAD compares: Admixed American, 0.08%; 1 homozygote.

Submissions (9):

PreventionGenetics, part of Exact Sciences
Classification: Uncertain significance for PEX1-related condition. Last evaluated: 2026-03-28. Review status: criteria provided, single submitter. Criteria: ACMG Guidelines, 2015. Collection method: clinical testing. Allele origin: germline.
Comment: The PEX1 c.3503A>G variant is predicted to result in the amino acid substitution p.Asp1168Gly. This variant has been reported in an individual with retinal or optic nerve disease (Table S12, Diñeiro et al. 2020. PubMed ID: 32483926). However, this variant is reported in 0.085% of alleles in individuals of Latino descent in gnomAD, which may be too frequent to be a primary cause of disease. Although we suspect that this variant may be benign, at this time, the clinical significance of this variant is uncertain due to the absence of conclusive functional and genetic evidence.

Labcorp Genetics (formerly Invitae), Labcorp
Classification: Likely benign for Zellweger spectrum disorders. Last evaluated: 2026-01-21. Review status: criteria provided, single submitter. Criteria: Invitae Variant Classification Sherloc (09022015). Collection method: clinical testing. Allele origin: germline.

Mayo Clinic Laboratories, Mayo Clinic
Classification: Uncertain significance. Last evaluated: 2025-09-14. Review status: criteria provided, single submitter. Criteria: ACMG Guidelines, 2015. Collection method: clinical testing. Allele origin: germline. Observed: 2 variant alleles.
Comment: PM2_supporting

Blueprint Genetics
Classification: Likely benign. Last evaluated: 2024-09-30. Review status: criteria provided, single submitter. Criteria: ACMG Guidelines, 2015. Collection method: clinical testing. Allele origin: germline.

ARUP Laboratories, Molecular Genetics and Genomics, ARUP Laboratories
Classification: Uncertain significance. Last evaluated: 2024-03-04. Review status: criteria provided, single submitter. Criteria: ARUP Molecular Germline Variant Investigation Process 2024. Collection method: clinical testing. Allele origin: germline.

Athena Diagnostics
Classification: Uncertain significance. Last evaluated: 2019-02-13. Review status: criteria provided, single submitter. Criteria: Athena Diagnostics Criteria. Collection method: clinical testing. Allele origin: germline.

Fulgent Genetics
Classification: Uncertain significance for Peroxisome biogenesis disorder 1A (Zellweger); Heimler syndrome 1; Peroxisome biogenesis disorder 1B. Last evaluated: 2018-10-31. Review status: criteria provided, single submitter. Criteria: ACMG Guidelines, 2015. Collection method: clinical testing. Allele origin: unknown.

Eurofins Ntd Llc (ga)
Classification: Uncertain significance. Last evaluated: 2017-12-06. Review status: criteria provided, single submitter. Criteria: EGL Classification Definitions 2015. Collection method: clinical testing. Allele origin: germline. Observed: 2 variant alleles, 2 heterozygotes.

Natera, Inc.
Classification: Uncertain significance for Zellweger syndrome. Last evaluated: 2018-06-05. Review status: no assertion criteria provided. Collection method: clinical testing. Allele origin: germline. Not counted in ClinVar's aggregate classification.

Literature cited by the submitters: PubMed 32483926 (cited by Mayo Clinic Laboratories, Mayo Clinic).

NM_000466.3(PEX1):c.3503A>G (p.Asp1168Gly)

Genes: GATAD1 (GATA zinc finger domain containing 1; plus strand), PEX1 (peroxisomal biogenesis factor 1; minus strand). Cytogenetic location: 7q21.2.
Variant type: single nucleotide variant.
Coding change: c.3503A>G on transcript NM_000466.3 (MANE Select); coding-DNA position 3503, A replaced by G.
Protein change: p.Asp1168Gly; replaces aspartic acid 1168 with glycine.
Molecular consequence: missense variant.
Genome position (GRCh38, 1-based): chr7:92,489,847, T>C on the plus strand (A>G on the coding strand, the complement: PEX1 is on the minus strand). VCF-style: chr7-92489847-T-C. GRCh37 (hg19) VCF-style: chr7-92119161-T-C.
Other names: p.Asp1168Gly; c.3332A>G, p.Asp1111Gly (NM_001282677.2); c.2879A>G, p.Asp960Gly (NM_001282678.2); short protein forms D1168G, D960G, D1111G.
Identifiers: ClinVar variation 282718 (VCV000282718.23), dbSNP rs182452430, ClinGen allele CA4340805.